The following is an entry in ClinVar:

NM_032119.4(ADGRV1):c.2966del (p.Asn989fs)

Gene: ADGRV1 (adhesion G protein-coupled receptor V1; plus strand). Cytogenetic location: 5q14.3.
Variant type: Deletion.
Coding change: c.2966del on transcript NM_032119.4 (MANE Select); coding-DNA position 2966, one base deleted (A; older notation c.2966delA).
Protein change: p.Asn989fs; shifts the reading frame from asparagine 989.
Molecular consequence: frameshift variant. On other transcripts: non-coding transcript variant (1).
Genome position (GRCh38, 1-based): chr5:90,646,035, A deleted; the last of 3 consecutive A bases (chr5:90,646,033-90,646,035); deleting any one gives the same sequence. VCF-style (leftmost placement, unchanged base first): chr5-90646032-GA-G. GRCh37 (hg19) VCF-style: chr5-89941849-GA-G.
Other names: short protein forms N989fs.
Identifiers: ClinVar variation 2836299 (VCV002836299.3), dbSNP rs2532012725, ClinGen allele CA2739274867.

ClinVar aggregate classification (germline): Pathogenic (1 of 4 stars; one submission).

Submission:

Labcorp Genetics (formerly Invitae), Labcorp
Classification: Pathogenic. Last evaluated: 2023-02-11. Review status: criteria provided, single submitter. Criteria: Invitae Variant Classification Sherloc (09022015). Collection method: clinical testing. Allele origin: germline.
Comment: This sequence change creates a premature translational stop signal (p.Asn989Ilefs*7) in the ADGRV1 gene. It is expected to result in an absent or disrupted protein product. Loss-of-function variants in ADGRV1 are known to be pathogenic (PMID: 19357117, 22135276, 22147658, 26226137, 30718709, 31047384, 32467589). For these reasons, this variant has been classified as Pathogenic. This variant has not been reported in the literature in individuals affected with ADGRV1-related conditions. This variant is not present in population databases (gnomAD no frequency).

Literature cited by the submitters: PubMed 19357117; PubMed 22135276; PubMed 22147658; PubMed 26226137; PubMed 30718709; PubMed 31047384; PubMed 32467589.